The following is an entry in ClinVar:

ClinVar aggregate classification (germline): Likely benign. Review status: criteria provided, multiple submitters, no conflicts (2 of 4 stars). 5 submissions from 5 submitters: Likely benign (5). Last evaluated 2026-01-14.

Conditions:
Cardiovascular phenotype. Identifiers: MedGen CN230736.
Alstrom syndrome (ALMS). Identifiers: Orphanet 64, MedGen C0268425, MONDO:0008763, OMIM 203800.

Allele frequency attached by ClinVar (database versions not stated): gnomAD 0.00019 and 0.00017; ExAC 0.00020; TOPMed 0.00021; gnomAD exomes 0.00031 and 0.00017; ESP Exome Variant Server 0.00033.
gnomAD v4.1: 478 of 1,614,124 alleles (0.03%); highest among the groups gnomAD compares: Non-Finnish European, 0.038%; no homozygotes.

Submissions (5):

Labcorp Genetics (formerly Invitae), Labcorp
Classification: Likely benign for Alstrom syndrome. Last evaluated: 2026-01-14. Review status: criteria provided, single submitter. Criteria: Invitae Variant Classification Sherloc (09022015). Collection method: clinical testing. Allele origin: germline.

Blueprint Genetics
Classification: Likely benign. Last evaluated: 2024-10-24. Review status: criteria provided, single submitter. Criteria: ACMG Guidelines, 2015. Collection method: clinical testing. Allele origin: germline.

Women's Health and Genetics/Laboratory Corporation of America, LabCorp
Classification: Likely benign. Last evaluated: 2021-04-03. Review status: criteria provided, single submitter. Criteria: LabCorp Variant Classification Summary - May 2015. Collection method: clinical testing. Allele origin: germline.

Ambry Genetics
Classification: Likely benign for Cardiovascular phenotype. Last evaluated: 2019-10-19. Review status: criteria provided, single submitter. Criteria: Ambry Variant Classification Scheme 2023. Collection method: clinical testing. Allele origin: germline.

Laboratory for Molecular Medicine, Mass General Brigham Personalized Medicine
Classification: Likely benign. Last evaluated: 2017-12-21. Review status: criteria provided, single submitter. Criteria: LMM Criteria. Collection method: clinical testing. Allele origin: germline. Observed: 1 variant allele.
Comment: p.Ser3246Ser in exon 11 of ALMS1: This variant is not expected to have clinical significance because it does not alter an amino acid residue and is not located within the splice consensus sequence. It has been identified in 0.03% (38/126628 ) of European chromosomes by the Genome Aggregation Database (gnomAD; dbSNP rs370844317). ACMG/AMP criteria applied: BP7.

NM_001378454.1(ALMS1):c.9741A>G (p.Ser3247=)

Gene: ALMS1 (ALMS1 centrosome and basal body associated protein; plus strand). Cytogenetic location: 2p13.1.
Variant type: single nucleotide variant.
Coding change: c.9741A>G on transcript NM_001378454.1 (MANE Select); coding-DNA position 9741, A replaced by G.
Protein change: p.Ser3247=; no amino-acid change (serine 3247 retained).
Molecular consequence: synonymous variant.
Genome position (GRCh38, 1-based): chr2:73,519,976, A>G. VCF-style: chr2-73519976-A-G. GRCh37 (hg19) VCF-style: chr2-73747103-A-G.
Other names: c.9744A>G, p.Ser3248= (NM_015120.4).
Identifiers: ClinVar variation 412656 (VCV000412656.18), dbSNP rs370844317, ClinGen allele CA1714750.